The following is an entry in ClinVar:

NM_001312673.2(PCYT1A):c.280C>T (p.Arg94Ter)

Gene: PCYT1A (phosphate cytidylyltransferase 1A, choline; minus strand). Cytogenetic location: 3q29.
Variant type: single nucleotide variant.
Coding change: c.280C>T on transcript NM_001312673.2 (MANE Select); coding-DNA position 280, C replaced by T.
Protein change: p.Arg94Ter; replaces arginine 94 with a stop codon.
Molecular consequence: nonsense.
Genome position (GRCh38, 1-based): chr3:196,248,261, G>A on the plus strand (C>T on the coding strand, the complement: PCYT1A is on the minus strand). VCF-style: chr3-196248261-G-A. GRCh37 (hg19) VCF-style: chr3-195975132-G-A.
Other names: c.280C>T, p.Arg94Ter (NM_005017.4); short protein forms R94*.
Identifiers: ClinVar variation 1399161 (VCV001399161.7), dbSNP rs773131861, ClinGen allele CA2779582.

ClinVar aggregate classification (germline): Conflicting classifications of pathogenicity. Review status: criteria provided, conflicting classifications (1 of 4 stars). 2 submissions from 2 submitters: Likely pathogenic (1); Uncertain significance (1). Last evaluated 2024-02-26.

Conditions:
PCYT1A-related disorders.

Allele frequency attached by ClinVar (database versions not stated): TOPMed below 0.00001; gnomAD 0.00001; gnomAD exomes 0.00001 and 0.00002; ExAC 0.00002.
gnomAD v4.1: 11 of 1,613,636 alleles (0.00068%); highest among the groups gnomAD compares: African/African-American, 0.0013%; no homozygotes.

Submissions (2):

Blueprint Genetics
Classification: Likely pathogenic for PCYT1A-related disorders. Last evaluated: 2024-02-26. Review status: criteria provided, single submitter. Criteria: ACMG Guidelines, 2015. Collection method: clinical testing. Allele origin: germline. Affected: yes. Observed: 2 variant alleles.

Labcorp Genetics (formerly Invitae), Labcorp
Classification: Uncertain significance. Last evaluated: 2022-06-13. Review status: criteria provided, single submitter. Criteria: Invitae Variant Classification Sherloc (09022015). Collection method: clinical testing. Allele origin: germline.
Comment: This variant is present in population databases (rs773131861, gnomAD 0.003%). This sequence change creates a premature translational stop signal (p.Arg94*) in the PCYT1A gene. It is expected to result in an absent or disrupted protein product. However, the current clinical and genetic evidence is not sufficient to establish whether loss-of-function variants in PCYT1A cause disease. This variant has not been reported in the literature in individuals affected with PCYT1A-related conditions. In summary, the available evidence is currently insufficient to determine the role of this variant in disease. Therefore, it has been classified as a Variant of Uncertain Significance.